The following is an entry in ClinVar:

NM_001267550.2(TTN):c.47045dup (p.Leu15682fs)

Genes: TTN (titin; minus strand), TTN-AS1 (TTN antisense RNA 1; plus strand). Cytogenetic location: 2q31.2.
Variant type: Duplication.
Coding change: c.47045dup on transcript NM_001267550.2 (MANE Select); coding-DNA position 47045, one base duplicated (T; older notation c.47045dupT).
Protein change: p.Leu15682fs; shifts the reading frame from leucine 15682.
Molecular consequence: frameshift variant.
Genome position (GRCh38, 1-based): chr2:178,618,413, A duplicated on the plus strand (T on the coding strand, the reverse complement: TTN is on the minus strand); the first of 3 consecutive A bases (chr2:178,618,413-178,618,415); duplicating any one gives the same sequence. VCF-style (leftmost placement, unchanged base first): chr2-178618412-T-TA. GRCh37 (hg19) VCF-style: chr2-179483139-T-TA.
Other names: c.42122dup, p.Leu14041fs (NM_001256850.1); c.19850dup, p.Leu6617fs (NM_003319.4); c.39341dup, p.Leu13114fs (NM_133378.4); c.20225dup, p.Leu6742fs (NM_133432.3); c.20426dup, p.Leu6809fs (NM_133437.4); short protein forms L15682fs, L6742fs, L6617fs, L13114fs, L14041fs, L6809fs.
Identifiers: ClinVar variation 4786357 (VCV004786357.2).

ClinVar aggregate classification (germline): Likely pathogenic. Review status: criteria provided, multiple submitters, no conflicts (2 of 4 stars). 2 submissions from 2 submitters: Likely pathogenic (2). Last evaluated 2026-08-01.

Conditions:
Dilated cardiomyopathy 1G (CMD1G). Identifiers: Orphanet 154, MedGen C1858763, MONDO:0011400, OMIM 604145.
Autosomal recessive limb-girdle muscular dystrophy type 2J (LGMDR10). Also called: Limb-girdle muscular dystrophy, type 2J; MUSCULAR DYSTROPHY, LIMB-GIRDLE, AUTOSOMAL RECESSIVE 10. Identifiers: Orphanet 140922, MedGen C1837342, MONDO:0012127, OMIM 608807.

Submissions (2):

CeGaT Center for Human Genetics Tuebingen
Classification: Likely pathogenic. Last evaluated: 2026-08-01. Review status: criteria provided, single submitter. Criteria: CeGaT Center For Human Genetics Tuebingen Variant Classification Criteria Version 2. Collection method: clinical testing. Allele origin: germline. Affected: yes. Observed: 1 variant allele.
Comment: TTN: PVS1:Strong, PM2

Labcorp Genetics (formerly Invitae), Labcorp
Classification: Likely pathogenic for Dilated cardiomyopathy 1G; Autosomal recessive limb-girdle muscular dystrophy type 2J. Last evaluated: 2025-10-08. Review status: criteria provided, single submitter. Criteria: Invitae Variant Classification Sherloc (09022015). Collection method: clinical testing. Allele origin: germline.
Comment: This sequence change creates a premature translational stop signal (p.Leu15682Phefs*3) in the TTN gene. While this is not anticipated to result in nonsense mediated decay, it is expected to create a truncated TTN protein. This variant is not present in population databases (gnomAD no frequency). This variant has not been reported in the literature in individuals affected with TTN-related conditions. Algorithms developed to predict the effect of sequence changes on RNA splicing suggest that this variant may disrupt the consensus splice site. This variant is located in the A band of TTN (PMID: 25589632). Truncating variants in this region are significantly overrepresented in patients affected with dilated cardiomyopathy (PMID: 25589632). Truncating variants in this region have also been reported in individuals affected with autosomal recessive centronuclear myopathy (PMID: 23975875). In summary, the currently available evidence indicates that the variant is pathogenic, but additional data are needed to prove that conclusively. Therefore, this variant has been classified as Likely Pathogenic.

Literature cited by the submitters: PubMed 25589632 (cited by Labcorp Genetics (formerly Invitae), Labcorp); PubMed 23975875 (cited by Labcorp Genetics (formerly Invitae), Labcorp).